The following is an entry in ClinVar:

ClinVar aggregate classification (germline): Pathogenic (1 of 4 stars; one submission).

Conditions:
Cardiac malformation, cleft lip/palate, microcephaly, and digital anomalies. Also called: CLEFT PALATE, CARDIAC DEFECTS, AND IMPAIRED INTELLECTUAL DEVELOPMENT. Identifiers: MedGen C1832950, MONDO:0010970, OMIM 600987.

Submission:

Illumina Laboratory Services, Illumina
Classification: Pathogenic for Cardiac malformation, cleft lip/palate, microcephaly, and digital anomalies. Last evaluated: 2020-12-21. Review status: criteria provided, single submitter. Criteria: ICSLVariantClassificationCriteria RUGD 01 April 2020. Collection method: clinical testing. Allele origin: unknown.
Comment: The MEIS2 c.992G>A (p.Arg331Lys) variant is a missense variant that has been previously reported in a heterozygous state in a child with characteristic features of MEIS2-related syndrome, including moderate global developmental delay with severe speech and language delay, palate anomalies and ventricular septal defects. The variant occurred de novo in this individual (Douglas et al. 2018). The p.Arg331Lys variant is not found in the Genome Aggregation Database in a region of good sequence coverage, so the variant is presumed to be rare. The variant is located in the third helix of DNA-binding homeobox domain of the protein, which is known to be implicated in DNA binding (Douglas et al. 2018). Based on the collective evidence, including the de novo occurrence of the variant, and application of the ACMG criteria, the p.Arg331Lys variant is classified as pathogenic for MEIS2-related syndrome.

Literature cited by the submitters: PubMed 30055086.

NM_170675.5(MEIS2):c.992G>A (p.Arg331Lys)

Gene: MEIS2 (Meis homeobox 2; minus strand). Cytogenetic location: 15q14.
Variant type: single nucleotide variant.
Coding change: c.992G>A on transcript NM_170675.5 (MANE Select); coding-DNA position 992, G replaced by A.
Protein change: p.Arg331Lys; replaces arginine 331 with lysine.
Molecular consequence: missense variant. On other transcripts: non-coding transcript variant (1).
Genome position (GRCh38, 1-based): chr15:36,896,672, C>T on the plus strand (G>A on the coding strand, the complement: MEIS2 is on the minus strand). VCF-style: chr15-36896672-C-T. GRCh37 (hg19) VCF-style: chr15-37188873-C-T.
Other names: c.992G>A, p.Arg331Lys (NM_001220482.2, NM_170674.5, NM_170676.5 and 1 more transcripts); c.953G>A, p.Arg318Lys (NM_002399.4, NM_172315.3); c.728G>A, p.Arg243Lys (NM_172316.3); short protein forms R243K, R318K, R331K.
Identifiers: ClinVar variation 1199240 (VCV001199240.4), dbSNP rs2141225123, ClinGen allele CA391926958.